The following is an entry in ClinVar:

NM_000529.2(MC2R):c.*1330A>G

Gene: MC2R (melanocortin 2 receptor; minus strand). Cytogenetic location: 18p11.21.
Variant type: single nucleotide variant.
Coding change: c.*1330A>G on transcript NM_000529.2 (MANE Select); 1330 bases downstream of the stop codon, A replaced by G.
Molecular consequence: 3 prime UTR variant.
Genome position (GRCh38, 1-based): chr18:13,883,295, T>C on the plus strand (A>G on the coding strand, the complement: MC2R is on the minus strand). VCF-style: chr18-13883295-T-C. GRCh37 (hg19) VCF-style: chr18-13883294-T-C.
Other names: c.*1330A>G (NM_001291911.1).
Identifiers: ClinVar variation 889233 (VCV000889233.4), dbSNP rs76459561, ClinGen allele CA296827845.

ClinVar aggregate classification (germline): Benign (1 of 4 stars; one submission).

Conditions:
Glucocorticoid deficiency 1 (GCCD1). Also called: Adrenal unresponsiveness to acth; Glucocorticoid deficiency, due to ACTH unresponsiveness; FAMILIAL GLUCOCORTICOID DEFICIENCY 1. Identifiers: Orphanet 361, MedGen C4049650, MONDO:0024536, OMIM 202200.

Allele frequency attached by ClinVar (database versions not stated): gnomAD 0.01015 and 0.01105; 1000 Genomes Project 0.01038; 1000 Genomes Project 30x 0.01109; TOPMed 0.01186.

Submission:

Illumina Laboratory Services, Illumina
Classification: Benign for Glucocorticoid deficiency 1. Last evaluated: 2018-01-13. Review status: criteria provided, single submitter. Criteria: ICSL Variant Classification Criteria 13 December 2019. Collection method: clinical testing. Allele origin: germline.
Comment: This variant was observed in the ICSL laboratory as part of a predisposition screen in an ostensibly healthy population. It had not been previously curated by ICSL or reported in the Human Gene Mutation Database (HGMD: prior to June 1st, 2018), and was therefore a candidate for classification through an automated scoring system. Utilizing variant allele frequency, disease prevalence and penetrance estimates, and inheritance mode, an automated score was calculated to assess if this variant is too frequent to cause the disease. Based on the score and internal cut-off values, a variant classified as benign is not then subjected to further curation. The score for this variant resulted in a classification of benign for this disease.